The following is an entry in ClinVar:

ClinVar aggregate classification (germline): Benign (1 of 4 stars; one submission).

Submission:

GeneDx
Classification: Benign. Last evaluated: 2018-06-19. Review status: criteria provided, single submitter. Criteria: GeneDx Variant Classification (06012015). Collection method: clinical testing. Allele origin: germline. Affected: yes.
Comment: This variant is considered likely benign or benign based on one or more of the following criteria: it is a conservative change, it occurs at a poorly conserved position in the protein, it is predicted to be benign by multiple in silico algorithms, and/or has population frequency not consistent with disease.

NM_020442.6(VARS2):c.2961+69del

Gene: VARS2 (valyl-tRNA synthetase 2, mitochondrial; plus strand). Cytogenetic location: 6p21.33.
Variant type: Deletion.
Coding change: c.2961+69del on transcript NM_020442.6 (MANE Select); 69 bases into the intron after coding-DNA position 2961, one base deleted (G; older notation c.2961+69delG).
Molecular consequence: intron variant.
Genome position (GRCh38, 1-based): chr6:30,925,788, G deleted; the last of 3 consecutive G bases (chr6:30,925,786-30,925,788); deleting any one gives the same sequence. VCF-style (leftmost placement, unchanged base first): chr6-30925785-TG-T. GRCh37 (hg19) VCF-style: chr6-30893562-TG-T.
Other names: c.3051+69del (NM_001167734.2); c.2541+69del (NM_001167733.3).
Identifiers: ClinVar variation 677110 (VCV000677110.1), dbSNP rs34092836, ClinGen allele CA136813020.